The following is an entry in ClinVar:

NM_005461.5(MAFB):c.179T>A (p.Leu60His)

Gene: MAFB (MAF bZIP transcription factor B; minus strand). Cytogenetic location: 20q12.
Variant type: single nucleotide variant.
Coding change: c.179T>A on transcript NM_005461.5 (MANE Select); coding-DNA position 179, T replaced by A.
Protein change: p.Leu60His; replaces leucine 60 with histidine.
Molecular consequence: missense variant.
Genome position (GRCh38, 1-based): chr20:40,688,672, A>T on the plus strand (T>A on the coding strand, the complement: MAFB is on the minus strand). VCF-style: chr20-40688672-A-T. GRCh37 (hg19) VCF-style: chr20-39317312-A-T.
Other names: short protein forms L60H.
Identifiers: ClinVar variation 3383579 (VCV003383579.1).

ClinVar aggregate classification (germline): Uncertain significance (1 of 4 stars; one submission).

Submission:

GeneDx
Classification: Uncertain significance. Last evaluated: 2024-05-28. Review status: criteria provided, single submitter. Criteria: GeneDx Variant Classification Process June 2021. Collection method: clinical testing. Allele origin: germline. Affected: yes.
Comment: Not observed at significant frequency in large population cohorts (gnomAD); In silico analysis supports that this missense variant has a deleterious effect on protein structure/function; Has not been previously published as pathogenic or benign to our knowledge